The following is an entry in ClinVar:

NM_018418.5(SPATA7):c.901_912+1del

Gene: SPATA7 (spermatogenesis associated 7; plus strand). Cytogenetic location: 14q31.3.
Variant type: Deletion.
Coding change: c.901_912+1del on transcript NM_018418.5 (MANE Select); coding-DNA position 901 through the canonical splice donor site of the intron after coding-DNA position 912, 13 bases deleted (AACATAAAGCAGG).
Molecular consequence: splice donor variant.
Genome position (GRCh38, 1-based): chr14:88,427,685-88,427,697, AACATAAAGCAGG deleted; deleting any 13 consecutive bases within chr14:88,427,684-88,427,697 gives the same sequence; the c. name uses the placement nearest the transcript's 3' end. VCF-style (leftmost placement, unchanged base first): chr14-88427683-TGAACATAAAGCAG-T. GRCh37 (hg19) VCF-style: chr14-88894027-TGAACATAAAGCAG-T.
Other names: c.805_816+1del (NM_001040428.4); c.900_912del (NM_018418.5).
Identifiers: ClinVar variation 1802260 (VCV001802260.3), dbSNP rs2504246108, ClinGen allele CA2580088879.

ClinVar aggregate classification (germline): Pathogenic (1 of 4 stars; one submission).

Conditions:
Leber congenital amaurosis 3 (LCA3). Also called: SPATA7-Related Retinitis Pigmentosa. Identifiers: MedGen C1858677, MONDO:0011415, OMIM 604232.

Submission:

Diagnostics Services (NGS), CSIR - Centre For Cellular And Molecular Biology
Classification: Pathogenic for Leber congenital amaurosis 3. Last evaluated: 2022-09-28. Review status: criteria provided, single submitter. Criteria: ACMG Guidelines, 2015. Collection method: clinical testing. Allele origin: unknown. Affected: yes. Observed: 1 variant allele, 1 homozygote.
Comment: The c.900_912del is not present in publicly available population databases like 1000 Genomes, EVS, ExAC, gnomAD, Indian Exome Database or our in-house exome database. The variant has neither been published in literature nor reported to clinical databases like ClinVar, Human Genome Mutation Database (HGMD) and/or OMIM, in any affected individuals. In silico pathogenicity programs like MutationTaster2, CADD, Varsome etc. predicted this variant to be likely deleterious. The variant causes frameshift at the 301st amino acid position of the wild-type transcript which creates a premature translational stop-signal at the 305th amino acid position of the altered transcript that either result in translation of a truncated protein or causes nonsense mediated decay of the mRNA. The variant has also been predicted to affect splicing either by the alteration of the wild-type donor site or by the activation of a cryptic donor site as it spans the exon/intron boundary.